The following is an entry in ClinVar:

ClinVar aggregate classification (germline): Likely pathogenic. Review status: criteria provided, multiple submitters, no conflicts (2 of 4 stars). 2 submissions from 2 submitters: Likely pathogenic (2). Last evaluated 2025-03-05.

Conditions:
Hereditary cancer-predisposing syndrome. Also called: Neoplastic Syndromes, Hereditary; Tumor predisposition; Hereditary Cancer Syndrome; Hereditary neoplastic syndrome. Identifiers: Orphanet 140162, MedGen C0027672, MeSH D009386, MONDO:0015356.
Familial cancer of breast. Also called: hereditary breast carcinoma; BREAST CANCER, FAMILIAL; Hereditary breast cancer. Identifiers: Orphanet 227535, MedGen C0346153, MONDO:0016419, OMIM 114480. Disease mechanism: loss of function.

Submissions (2):

Ambry Genetics
Classification: Likely pathogenic for Hereditary cancer-predisposing syndrome. Last evaluated: 2025-03-05. Review status: criteria provided, single submitter. Criteria: Ambry Variant Classification Scheme 2023. Collection method: clinical testing. Allele origin: germline.
Comment: The c.908+1_908+13del13insTTTAAAA variant results from a deletion of 14 nucleotides and insertion of 7 nucleotides (TTTAAAA) at positions c.908+1 to c.908+13 and involves the canonical splice donor site after coding exon 7 of the CHEK2 gene. The canonical splice donor site is highly conserved in available vertebrate species.In silico splice site analysis predicts that this alteration will weaken the native splice donor site; however, the exact impact of this alteration on CHEK2 splicing and function is currently unknown. This variant is considered to be rare based on population cohorts in the Genome Aggregation Database (gnomAD). Alterations that disrupt the canonical splice site are expected to cause aberrant splicing, resulting in an abnormal protein or a transcript that is subject to nonsense-mediated mRNA decay. As such, this alteration is classified as likely pathogenic.

Myriad Genetics, Inc.
Classification: Likely pathogenic for Familial cancer of breast. Last evaluated: 2023-06-27. Review status: criteria provided, single submitter. Criteria: Myriad Autosomal Dominant, Autosomal Recessive and X-Linked Classification Criteria (2023). Collection method: clinical testing. Allele origin: unknown.
Comment: This variant is considered likely pathogenic. This variant occurs within a consensus splice junction and is predicted to result in abnormal mRNA splicing of either an out-of-frame exon or an in-frame exon necessary for protein stability and/or normal function.

NM_007194.4(CHEK2):c.908+1_908+13delinsTTTAAAA

Gene: CHEK2 (checkpoint kinase 2; minus strand). Cytogenetic location: 22q12.1.
Variant type: Indel.
Coding change: c.908+1_908+13delinsTTTAAAA on transcript NM_007194.4 (MANE Select); the canonical splice donor site of the intron after coding-DNA position 908 through 13 bases into the intron after coding-DNA position 908, GTAAGTAGTAAAC replaced by TTTAAAA.
Molecular consequence: splice donor variant.
Genome position (GRCh38, 1-based): chr22:28,703,492-28,703,504, GTTTACTACTTAC replaced by TTTTAAA on the plus strand (GTAAGTAGTAAAC replaced by TTTAAAA on the coding strand, the reverse complement: CHEK2 is on the minus strand). VCF-style: chr22-28703492-GTTTACTACTTAC-TTTTAAA. GRCh37 (hg19) VCF-style: chr22-29099480-GTTTACTACTTAC-TTTTAAA.
Other names: c.245+1_245+13delinsTTTAAAA (NM_001437942.1, NM_001257387.3); c.707+1_707+13delinsTTTAAAA (NM_001349956.3); c.908+1_908+13delinsTTTAAAA (NM_145862.3); c.1001+1_1001+13delinsTTTAAAA (NM_001438295.1, NM_001438293.1); c.1037+1_1037+13delinsTTTAAAA (NM_001438294.1, NM_001005735.3).
Identifiers: ClinVar variation 1765715 (VCV001765715.5), dbSNP rs2517884392, ClinGen allele CA2580099359.